The following is an entry in ClinVar:

ClinVar aggregate classification (germline): Uncertain significance (1 of 4 stars; one submission).

Conditions:
Developmental and epileptic encephalopathy, 2 (DEE2). Also called: CDKL5 deficiency disorder; INFANTILE SPASM SYNDROME, X-LINKED 2. Identifiers: Orphanet 1934, Orphanet 3451, Orphanet 505652, MedGen C4750718, MONDO:0010396, OMIM 300672.
Angelman syndrome-like. Identifiers: MedGen CN128785.

Submission:

Labcorp Genetics (formerly Invitae), Labcorp
Classification: Uncertain significance for Developmental and epileptic encephalopathy, 2; Angelman syndrome-like. Last evaluated: 2024-12-24. Review status: criteria provided, single submitter. Criteria: Invitae Variant Classification Sherloc (09022015). Collection method: clinical testing. Allele origin: germline.
Comment: This sequence change replaces valine, which is neutral and non-polar, with leucine, which is neutral and non-polar, at codon 27 of the CDKL5 protein (p.Val27Leu). This variant is not present in population databases (gnomAD no frequency). This variant has not been reported in the literature in individuals affected with CDKL5-related conditions. Invitae Evidence Modeling of protein sequence and biophysical properties (such as structural, functional, and spatial information, amino acid conservation, physicochemical variation, residue mobility, and thermodynamic stability) indicates that this missense variant is expected to disrupt CDKL5 protein function with a positive predictive value of 95%. In summary, the available evidence is currently insufficient to determine the role of this variant in disease. Therefore, it has been classified as a Variant of Uncertain Significance.

NM_001323289.2(CDKL5):c.79G>T (p.Val27Leu)

Gene: CDKL5 (cyclin dependent kinase like 5; plus strand). Cytogenetic location: Xp22.13.
Variant type: single nucleotide variant.
Coding change: c.79G>T on transcript NM_001323289.2 (MANE Select); coding-DNA position 79, G replaced by T.
Protein change: p.Val27Leu; replaces valine 27 with leucine.
Molecular consequence: missense variant.
Genome position (GRCh38, 1-based): chrX:18,510,834, G>T. VCF-style: chrX-18510834-G-T. GRCh37 (hg19) VCF-style: chrX-18528954-G-T.
Other names: c.79G>T, p.Val27Leu (NM_001037343.2, NM_003159.3); short protein forms V27L.
Identifiers: ClinVar variation 3753771 (VCV003753771.2).